The following is an entry in ClinVar:

ClinVar aggregate classification (germline): Likely benign (1 of 4 stars; one submission).

Conditions:
PLXNA3-related disorder. Also called: PLXNA3-related condition.

gnomAD v4.1: 10 of 1,207,878 alleles (0.00083%); highest among the groups gnomAD compares: African/African-American, 0.014%; no homozygotes.

Submission:

PreventionGenetics, part of Exact Sciences
Classification: Likely benign for PLXNA3-related condition. Last evaluated: 2025-09-22. Review status: criteria provided, single submitter. Criteria: ACMG Guidelines, 2015. Collection method: clinical testing. Allele origin: germline.
Comment: This variant is classified as likely benign based on ACMG/AMP sequence variant interpretation guidelines (Richards et al. 2015 PMID: 25741868, with internal and published modifications).

NM_017514.5(PLXNA3):c.4796-9C>G

Gene: PLXNA3 (plexin A3; plus strand). Cytogenetic location: Xq28.
Variant type: single nucleotide variant.
Coding change: c.4796-9C>G on transcript NM_017514.5 (MANE Select); 9 bases into the intron before coding-DNA position 4796, C replaced by G.
Molecular consequence: intron variant.
Genome position (GRCh38, 1-based): chrX:154,469,968, C>G. VCF-style: chrX-154469968-C-G. GRCh37 (hg19) VCF-style: chrX-153698311-C-G.
Identifiers: ClinVar variation 4983833 (VCV004983833.1).